The following is an entry in ClinVar:

NM_000088.4(COL1A1):c.4029C>T (p.Ser1343=)

Gene: COL1A1 (collagen type I alpha 1 chain; minus strand). Cytogenetic location: 17q21.33.
Variant type: single nucleotide variant.
Coding change: c.4029C>T on transcript NM_000088.4 (MANE Select); coding-DNA position 4029, C replaced by T.
Protein change: p.Ser1343=; no amino-acid change (serine 1343 retained).
Molecular consequence: synonymous variant.
Genome position (GRCh38, 1-based): chr17:50,185,997, G>A on the plus strand (C>T on the coding strand, the complement: COL1A1 is on the minus strand). VCF-style: chr17-50185997-G-A. GRCh37 (hg19) VCF-style: chr17-48263358-G-A.
Identifiers: ClinVar variation 2647893 (VCV002647893.25), dbSNP rs770279565, ClinGen allele CA8644269.

ClinVar aggregate classification (germline): Likely benign. Review status: criteria provided, multiple submitters, no conflicts (2 of 4 stars). 3 submissions from 3 submitters: Likely benign (3). Last evaluated 2025-05-14.

Conditions:
Cardiovascular phenotype. Identifiers: MedGen CN230736.

Allele frequency attached by ClinVar (database versions not stated): gnomAD 0.00003; TOPMed 0.00003.
gnomAD v4.1: 16 of 1,612,688 alleles (0.00099%); highest among the groups gnomAD compares: African/African-American, 0.0053%; no homozygotes.

Submissions (3):

Ambry Genetics
Classification: Likely benign for Cardiovascular phenotype. Last evaluated: 2025-05-14. Review status: criteria provided, single submitter. Criteria: Ambry Variant Classification Scheme 2023. Collection method: clinical testing. Allele origin: germline.

Blueprint Genetics
Classification: Likely benign. Last evaluated: 2024-10-21. Review status: criteria provided, single submitter. Criteria: ACMG Guidelines, 2015. Collection method: clinical testing. Allele origin: germline.

CeGaT Center for Human Genetics Tuebingen
Classification: Likely benign. Last evaluated: 2024-09-01. Review status: criteria provided, single submitter. Criteria: CeGaT Center For Human Genetics Tuebingen Variant Classification Criteria Version 2. Collection method: clinical testing. Allele origin: germline. Affected: yes. Observed: 2 variant alleles.
Comment: COL1A1: BP4, BP7